The following is an entry in ClinVar:

ClinVar aggregate classification (germline): Pathogenic (1 of 4 stars; one submission).

Conditions:
Neuromuscular disease caused by qualitative or quantitative defects of dystrophin. Also called: Qualitative or quantitative defects of dystrophin. Identifiers: Orphanet 207085, MedGen C5679787, MONDO:0016147.

Submission:

Women's Health and Genetics/Laboratory Corporation of America, LabCorp
Classification: Pathogenic for Neuromuscular disease caused by qualitative or quantitative defects of dystrophin. Last evaluated: 2025-09-11. Review status: criteria provided, single submitter. Criteria: LabCorp Variant Classification Summary - May 2015. Collection method: clinical testing. Allele origin: germline.
Comment: Variant summary: The variant involves the deletion of exons 8-18 in the DMD gene. A presumed nomenclature of c.(649+1_650-1)_(2292+1_2293-1)del has been designated for the purposes of this classification. This Copy Number Variant (CNV) is expected to alter the reading frame and predicted to result in a truncation or absence of the encoded protein due to nonsense mediated decay (NMD). The variant was absent in 16120 control chromosomes. c.(649+1_650-1)_(2292+1_2293-1)del has been observed in individual(s) affected with Dystrophinopathies (e.g. Ansar_2019). The following publication has been ascertained in the context of this evaluation (PMID: 31157985). ClinVar contains an entry for this variant (Variation ID: 1415260). Based on the evidence outlined above, the variant was classified as pathogenic.

Literature cited by the submitters: PubMed 31157985.

NC_000023.10:g.(32519960_32536124)_(32717411_32827609)del

Gene: DMD (dystrophin; minus strand). Cytogenetic location: Xp21.1.
Variant type: Deletion.
Identifiers: ClinVar variation 4535599 (VCV004535599.1).